The following is an entry in ClinVar:

ClinVar aggregate classification (germline): Likely benign. Review status: criteria provided, multiple submitters, no conflicts (2 of 4 stars). 2 submissions from 2 submitters: Likely benign (2). Last evaluated 2025-05-05.

Conditions:
Dilated cardiomyopathy 1W (CMD1W). Identifiers: Orphanet 154, MedGen C1969639, MONDO:0012667, OMIM 611407.

Allele frequency attached by ClinVar (database versions not stated): gnomAD 0.00001; gnomAD exomes 0.00001 and 0.00004; TOPMed 0.00001; ExAC 0.00003.
gnomAD v4.1: 14 of 1,610,396 alleles (0.00087%); highest among the groups gnomAD compares: Admixed American, 0.022%; no homozygotes.

Submissions (2):

Labcorp Genetics (formerly Invitae), Labcorp
Classification: Likely benign for Dilated cardiomyopathy 1W. Last evaluated: 2025-05-05. Review status: criteria provided, single submitter. Criteria: Invitae Variant Classification Sherloc (09022015). Collection method: clinical testing. Allele origin: germline.

Laboratory for Molecular Medicine, Mass General Brigham Personalized Medicine
Classification: Likely benign. Last evaluated: 2016-03-22. Review status: criteria provided, single submitter. Criteria: LMM Criteria. Collection method: clinical testing. Allele origin: germline. Observed: 1 variant allele.
Comment: c.1543+15G>A in intron 11 of VCL: This variant is not expected to have clinical significance because it is not located within the splice consensus sequence. It has been identified in 3/7402 Latino chromosomes by the Exome Aggregation Conso rtium (ExAC; dbSNP rs759560099).

NM_014000.3(VCL):c.1543+15G>A

Gene: VCL (vinculin; plus strand). Cytogenetic location: 10q22.2.
Variant type: single nucleotide variant.
Coding change: c.1543+15G>A on transcript NM_014000.3 (MANE Select); 15 bases into the intron after coding-DNA position 1543, G replaced by A.
Molecular consequence: intron variant.
Genome position (GRCh38, 1-based): chr10:74,094,476, G>A. VCF-style: chr10-74094476-G-A. GRCh37 (hg19) VCF-style: chr10-75854234-G-A.
Other names: c.1543+15G>A (NM_003373.4).
Identifiers: ClinVar variation 228229 (VCV000228229.9), dbSNP rs759560099, ClinGen allele CA5563026.